The following is an entry in ClinVar:

ClinVar aggregate classification (germline): Uncertain significance (1 of 4 stars; one submission).

Conditions:
Familial temporal lobe epilepsy 7. Identifiers: Orphanet 101046, MedGen C4225327, MONDO:0014639, OMIM 616436.
Norman-Roberts syndrome (LIS2). Also called: Lissencephaly 2 (Norman-Roberts type). Identifiers: Orphanet 89844, MedGen C0796089, MONDO:0009760, OMIM 257320.

Allele frequency attached by ClinVar (database versions not stated): TOPMed below 0.00001.
gnomAD v4.1: 2 of 1,614,138 alleles (0.00012%); highest among the groups gnomAD compares: Middle Eastern, 0.016%; no homozygotes.

Submission:

Labcorp Genetics (formerly Invitae), Labcorp
Classification: Uncertain significance for Familial temporal lobe epilepsy 7; Norman-Roberts syndrome. Last evaluated: 2018-10-09. Review status: criteria provided, single submitter. Criteria: Invitae Variant Classification Sherloc (09022015). Collection method: clinical testing. Allele origin: germline.
Comment: This sequence change replaces proline with serine at codon 3379 of the RELN protein (p.Pro3379Ser). The proline residue is highly conserved and there is a moderate physicochemical difference between proline and serine. This variant is not present in population databases (ExAC no frequency). This variant has not been reported in the literature in individuals with RELN-related disease. Algorithms developed to predict the effect of missense changes on protein structure and function are either unavailable or do not agree on the potential impact of this missense change (SIFT: "Deleterious"; PolyPhen-2: "Possibly Damaging"; Align-GVGD: "Class C0"). In summary, the available evidence is currently insufficient to determine the role of this variant in disease. Therefore, it has been classified as a Variant of Uncertain Significance.

NM_005045.4(RELN):c.10135C>T (p.Pro3379Ser)

Genes: RELN (reelin; minus strand), SLC26A5-AS1 (SLC26A5 antisense RNA 1; plus strand). Cytogenetic location: 7q22.1.
Variant type: single nucleotide variant.
Coding change: c.10135C>T on transcript NM_005045.4 (MANE Select); coding-DNA position 10135, C replaced by T.
Protein change: p.Pro3379Ser; replaces proline 3379 with serine.
Molecular consequence: missense variant.
Genome position (GRCh38, 1-based): chr7:103,483,699, G>A on the plus strand (C>T on the coding strand, the complement: RELN is on the minus strand). VCF-style: chr7-103483699-G-A. GRCh37 (hg19) VCF-style: chr7-103124146-G-A.
Other names: c.10135C>T, p.Pro3379Ser (NM_173054.3); short protein forms P3379S.
Identifiers: ClinVar variation 644535 (VCV000644535.8), dbSNP rs1288993333, ClinGen allele CA368738716.